The following is an entry in ClinVar:

NM_001128840.3(CACNA1D):c.5126G>A (p.Arg1709His)

Gene: CACNA1D (calcium voltage-gated channel subunit alpha1 D; plus strand). Cytogenetic location: 3p21.1.
Variant type: single nucleotide variant.
Coding change: c.5126G>A on transcript NM_001128840.3 (MANE Select); coding-DNA position 5126, G replaced by A.
Protein change: p.Arg1709His; replaces arginine 1709 with histidine.
Molecular consequence: missense variant.
Genome position (GRCh38, 1-based): chr3:53,801,143, G>A. VCF-style: chr3-53801143-G-A. GRCh37 (hg19) VCF-style: chr3-53835170-G-A.
Other names: c.5186G>A (NM_000720.3); c.5186G>A, p.Arg1729His (NM_000720.4); c.5081G>A, p.Arg1694His (NM_001128839.3); short protein forms R1694H, R1729H, R1709H.
Identifiers: ClinVar variation 4782093 (VCV004782093.2).

ClinVar aggregate classification (germline): Uncertain significance. Review status: criteria provided, multiple submitters, no conflicts (2 of 4 stars). 2 submissions from 2 submitters: Uncertain significance (2). Last evaluated 2026-04-25.

Conditions:
CACNA1D-related disorder.

gnomAD v4.1: 13 of 1,613,758 alleles (0.00081%); highest among the groups gnomAD compares: African/African-American, 0.0027%; no homozygotes.

Submissions (2):

PreventionGenetics, part of Exact Sciences
Classification: Uncertain significance for CACNA1D-related condition. Last evaluated: 2026-04-25. Review status: criteria provided, single submitter. Criteria: ACMG Guidelines, 2015. Collection method: clinical testing. Allele origin: germline.
Comment: The CACNA1D c.5186G>A variant is predicted to result in the amino acid substitution p.Arg1729His. To our knowledge, this variant has not been reported in the literature. This variant is reported in 0.0062% of alleles in individuals of African descent in gnomAD. At this time, the clinical significance of this variant is uncertain due to the absence of conclusive functional and genetic evidence.

Labcorp Genetics (formerly Invitae), Labcorp
Classification: Uncertain significance. Last evaluated: 2025-04-11. Review status: criteria provided, single submitter. Criteria: Invitae Variant Classification Sherloc (09022015). Collection method: clinical testing. Allele origin: germline.
Comment: This sequence change replaces arginine, which is basic and polar, with histidine, which is basic and polar, at codon 1729 of the CACNA1D protein (p.Arg1729His). This variant is present in population databases (rs568343967, gnomAD 0.007%). This variant has not been reported in the literature in individuals affected with CACNA1D-related conditions. An algorithm developed to predict the effect of missense changes on protein structure and function (PolyPhen-2) suggests that this variant is likely to be tolerated. In summary, the available evidence is currently insufficient to determine the role of this variant in disease. Therefore, it has been classified as a Variant of Uncertain Significance.